The following is an entry in ClinVar:

NM_001025356.3(ANO6):c.2526+13T>A

Gene: ANO6 (anoctamin 6; plus strand). Cytogenetic location: 12q12.
Variant type: single nucleotide variant.
Coding change: c.2526+13T>A on transcript NM_001025356.3 (MANE Select); 13 bases into the intron after coding-DNA position 2526, T replaced by A.
Molecular consequence: intron variant.
Genome position (GRCh38, 1-based): chr12:45,423,075, T>A. VCF-style: chr12-45423075-T-A. GRCh37 (hg19) VCF-style: chr12-45816858-T-A.
Other names: c.2526+13T>A (NM_001142679.2); c.2589+13T>A (NM_001204803.2); c.2493+13T>A (NM_001410973.1); c.2472+13T>A (NM_001142678.2).
Identifiers: ClinVar variation 2984869 (VCV002984869.3), dbSNP rs1943407827, ClinGen allele CA947174003.

ClinVar aggregate classification (germline): Uncertain significance (1 of 4 stars; one submission).

Allele frequency attached by ClinVar (database versions not stated): gnomAD 0.00001.
gnomAD v4.1: 1 of 1,585,046 alleles (0.000063%); highest among the groups gnomAD compares: Admixed American, 0.0017%; no homozygotes.

Submission:

Labcorp Genetics (formerly Invitae), Labcorp
Classification: Uncertain significance. Last evaluated: 2025-06-14. Review status: criteria provided, single submitter. Criteria: Invitae Variant Classification Sherloc (09022015). Collection method: clinical testing. Allele origin: germline.
Comment: This sequence change falls in intron 19 of the ANO6 gene. It does not directly change the encoded amino acid sequence of the ANO6 protein. This variant is not present in population databases (gnomAD no frequency). This variant has not been reported in the literature in individuals affected with ANO6-related conditions. ClinVar contains an entry for this variant (Variation ID: 2984869). Algorithms developed to predict the effect of sequence changes on RNA splicing suggest that this variant may create or strengthen a splice site. In summary, the available evidence is currently insufficient to determine the role of this variant in disease. Therefore, it has been classified as a Variant of Uncertain Significance.